The following is an entry in ClinVar:

NM_005199.5(CHRNG):c.103C>T (p.Gln35Ter)

Gene: CHRNG (cholinergic receptor nicotinic gamma subunit; plus strand). Cytogenetic location: 2q37.1.
Variant type: single nucleotide variant.
Coding change: c.103C>T on transcript NM_005199.5 (MANE Select); coding-DNA position 103, C replaced by T.
Protein change: p.Gln35Ter; replaces glutamine 35 with a stop codon.
Molecular consequence: nonsense.
Genome position (GRCh38, 1-based): chr2:232,540,039, C>T. VCF-style: chr2-232540039-C-T. GRCh37 (hg19) VCF-style: chr2-233404749-C-T.
Other names: short protein forms Q35*.
Identifiers: ClinVar variation 2850195 (VCV002850195.3), dbSNP rs773574226, ClinGen allele CA351006921.

ClinVar aggregate classification (germline): Pathogenic (1 of 4 stars; one submission).

gnomAD v4.1: 1 of 1,614,210 alleles (0.000062%); highest among the groups gnomAD compares: East Asian, 0.0022%; no homozygotes.

Submission:

Labcorp Genetics (formerly Invitae), Labcorp
Classification: Pathogenic. Last evaluated: 2023-05-17. Review status: criteria provided, single submitter. Criteria: Invitae Variant Classification Sherloc (09022015). Collection method: clinical testing. Allele origin: germline.
Comment: For these reasons, this variant has been classified as Pathogenic. This variant has not been reported in the literature in individuals affected with CHRNG-related conditions. This variant is not present in population databases (gnomAD no frequency). This sequence change creates a premature translational stop signal (p.Gln35*) in the CHRNG gene. It is expected to result in an absent or disrupted protein product. Loss-of-function variants in CHRNG are known to be pathogenic (PMID: 16826520).

Literature cited by the submitters: PubMed 16826520.